The following is an entry in ClinVar:

NM_000540.3(RYR1):c.8517G>A (p.Thr2839=)

Genes: RYR1 (ryanodine receptor 1; plus strand), LOC126862902 (BRD4-independent group 4 enhancer GRCh37_chr19:38995830-38997029; plus strand). Cytogenetic location: 19q13.2.
Variant type: single nucleotide variant.
Coding change: c.8517G>A on transcript NM_000540.3 (MANE Select); coding-DNA position 8517, G replaced by A.
Protein change: p.Thr2839=; no amino-acid change (threonine 2839 retained).
Molecular consequence: synonymous variant.
Genome position (GRCh38, 1-based): chr19:38,505,922, G>A. VCF-style: chr19-38505922-G-A. GRCh37 (hg19) VCF-style: chr19-38996562-G-A.
Other names: c.8517G>A, p.Thr2839= (NM_001042723.2).
Identifiers: ClinVar variation 1085078 (VCV001085078.44), dbSNP rs182019390, ClinGen allele CA072158.

ClinVar aggregate classification (germline): Likely benign. Review status: criteria provided, multiple submitters, no conflicts (2 of 4 stars). 4 submissions from 4 submitters: Likely benign (4). Last evaluated 2025-11-27.

Conditions:
RYR1-related disorder. Also called: RYR1-related condition; RYR1-related disorders. Identifiers: MedGen CN239331.
Malignant hyperthermia, susceptibility to, 1 (MHS1). Also called: RYR1-Related Malignant Hyperthermia Susceptibility; Anesthesia related hyperthermia; Malignant hyperpyrexia; Fulminating hyperpyrexia; Pharmacogenic myopathy; Malignant hyperthermia suceptibility 1. Identifiers: Orphanet 423, MedGen C2930980, MONDO:0007783, OMIM 145600.

Allele frequency attached by ClinVar (database versions not stated): ExAC 0.00003.
gnomAD v4.1: 35 of 1,613,556 alleles (0.0022%); highest among the groups gnomAD compares: Middle Eastern, 0.017%; no homozygotes.

Submissions (4):

Labcorp Genetics (formerly Invitae), Labcorp
Classification: Likely benign for RYR1-related disorder. Last evaluated: 2025-11-27. Review status: criteria provided, single submitter. Criteria: Invitae Variant Classification Sherloc (09022015). Collection method: clinical testing. Allele origin: germline.

All of Us Research Program, National Institutes of Health
Classification: Likely benign for Malignant hyperthermia, susceptibility to, 1. Last evaluated: 2023-09-17. Review status: criteria provided, single submitter. Criteria: ACMG Guidelines, 2015. Collection method: clinical testing. Allele origin: germline. Inheritance: Autosomal dominant inheritance. Observed: 6 variant alleles, 6 heterozygotes.
Comment: This study involves interpretation of variants in research participants for the purpose of population health screening. Participant phenotype was not available at the time of variant classification. Additional details can be found in publication PMID: 35346344, PMCID: PMC8962531

Color Diagnostics, LLC DBA Color Health
Classification: Likely benign for Malignant hyperthermia, susceptibility to, 1. Last evaluated: 2022-09-20. Review status: criteria provided, single submitter. Criteria: ACMG Guidelines, 2015. Collection method: clinical testing. Allele origin: germline.

CeGaT Center for Human Genetics Tuebingen
Classification: Likely benign. Last evaluated: 2022-07-01. Review status: criteria provided, single submitter. Criteria: CeGaT Center For Human Genetics Tuebingen Variant Classification Criteria Version 2. Collection method: clinical testing. Allele origin: germline. Affected: yes. Observed: 3 variant alleles.
Comment: RYR1: BP4, BP7